The following is an entry in ClinVar:

NC_000005.10:g.(?_179121651)_(179122783_?)del

Gene: ADAMTS2 (ADAM metallopeptidase with thrombospondin type 1 motif 2; minus strand). Cytogenetic location: 5q35.3.
Variant type: Deletion.
Identifiers: ClinVar variation 832576 (VCV000832576.7).

ClinVar aggregate classification (germline): Uncertain significance (1 of 4 stars; one submission).

Conditions:
Ehlers-Danlos syndrome, dermatosparaxis type. Also called: Dermatosparaxis; EDS VIIC; Ehlers-Danlos syndrome, type VII, autosomal recessive. Identifiers: Orphanet 1901, MedGen C2700425, MONDO:0009161, OMIM 225410.

Submission:

Labcorp Genetics (formerly Invitae), Labcorp
Classification: Uncertain significance for Ehlers-Danlos syndrome, dermatosparaxis type. Last evaluated: 2019-12-27. Review status: criteria provided, single submitter. Criteria: Invitae Variant Classification Sherloc (09022015). Collection method: clinical testing. Allele origin: germline.
Comment: This variant is a sub-genic deletion of the genomic region encompassing exons 20-21 of the ADAMTS2 gene. While this deletion is not anticipated to result in nonsense mediated decay, it is expected to create a truncated protein product. This variant has not been reported in the literature in individuals with ADAMTS2-related conditions. Experimental studies and prediction algorithms are not available or were not evaluated, and the functional significance of this variant is currently unknown. In summary, the available evidence is currently insufficient to determine the role of this variant in disease. Therefore, it has been classified as a Variant of Uncertain Significance.